The following is an entry in ClinVar:

ClinVar aggregate classification (germline): Benign/Likely benign. Review status: criteria provided, multiple submitters, no conflicts (2 of 4 stars). 3 submissions from 3 submitters: Benign (1); Likely benign (2). Last evaluated 2026-03-17.

Conditions:
FAH-related disorder. Also called: FAH-related condition.
Tyrosinemia type I (TYRSN1). Also called: HEPATORENAL TYROSINEMIA; Tyrosinemia type 1; Fumarylacetoacetase deficiency; Deficiency of fumarylacetoacetase; FAH DEFICIENCY. Identifiers: Orphanet 882, MedGen C0268490, MONDO:0010161, OMIM 276700. Disease mechanism: loss of function.

Allele frequency attached by ClinVar (database versions not stated): gnomAD below 0.00001 and 0.00011; TOPMed 0.00002; gnomAD exomes 0.00014 and 0.00026; ExAC 0.00031; 1000 Genomes Project 0.00040; 1000 Genomes Project 30x 0.00047.
gnomAD v4.1: 228 of 1,613,760 alleles (0.014%); highest among the groups gnomAD compares: South Asian, 0.23%; 1 homozygote.

Submissions (3):

PreventionGenetics, part of Exact Sciences
Classification: Likely benign for FAH-related condition. Last evaluated: 2026-03-17. Review status: criteria provided, single submitter. Criteria: ACMG Guidelines, 2015. Collection method: clinical testing. Allele origin: germline.
Comment: This variant is classified as likely benign based on ACMG/AMP sequence variant interpretation guidelines (Richards et al. 2015 PMID: 25741868, with internal and published modifications).

Labcorp Genetics (formerly Invitae), Labcorp
Classification: Benign for Tyrosinemia type I. Last evaluated: 2026-02-02. Review status: criteria provided, single submitter. Criteria: Invitae Variant Classification Sherloc (09022015). Collection method: clinical testing. Allele origin: germline.

Blueprint Genetics
Classification: Likely benign. Last evaluated: 2024-07-02. Review status: criteria provided, single submitter. Criteria: ACMG Guidelines, 2015. Collection method: clinical testing. Allele origin: germline.

NM_000137.4(FAH):c.543A>G (p.Lys181=)

Gene: FAH (fumarylacetoacetate hydrolase; plus strand). Cytogenetic location: 15q25.1.
Variant type: single nucleotide variant.
Coding change: c.543A>G on transcript NM_000137.4 (MANE Select); coding-DNA position 543, A replaced by G.
Protein change: p.Lys181=; no amino-acid change (lysine 181 retained).
Molecular consequence: synonymous variant.
Genome position (GRCh38, 1-based): chr15:80,168,139, A>G. VCF-style: chr15-80168139-A-G. GRCh37 (hg19) VCF-style: chr15-80460481-A-G.
Other names: c.543A>G, p.Lys181= (NM_001374377.1, NM_001374380.1).
Identifiers: ClinVar variation 765812 (VCV000765812.12), dbSNP rs537190415, ClinGen allele CA7691208.